The following is an entry in ClinVar:

ClinVar aggregate classification (germline): Uncertain significance (1 of 4 stars; one submission).

Allele frequency attached by ClinVar (database versions not stated): TOPMed below 0.00001; gnomAD 0.00001.
gnomAD v4.1: 1 of 1,613,332 alleles (0.000062%); highest among the groups gnomAD compares: East Asian, 0.0022%; no homozygotes.

Submission:

Labcorp Genetics (formerly Invitae), Labcorp
Classification: Uncertain significance. Last evaluated: 2023-03-10. Review status: criteria provided, single submitter. Criteria: Invitae Variant Classification Sherloc (09022015). Collection method: clinical testing. Allele origin: germline.
Comment: This sequence change replaces glycine, which is neutral and non-polar, with glutamic acid, which is acidic and polar, at codon 281 of the ADGRA3 protein (p.Gly281Glu). This variant is present in population databases (no rsID available, gnomAD 0.06%). This variant has not been reported in the literature in individuals affected with ADGRA3-related conditions. An algorithm developed to predict the effect of missense changes on protein structure and function (PolyPhen-2) suggests that this variant is likely to be disruptive. In summary, the available evidence is currently insufficient to determine the role of this variant in disease. Therefore, it has been classified as a Variant of Uncertain Significance.

NM_145290.4(ADGRA3):c.842G>A (p.Gly281Glu)

Gene: ADGRA3 (adhesion G protein-coupled receptor A3; minus strand). Cytogenetic location: 4p15.2.
Variant type: single nucleotide variant.
Coding change: c.842G>A on transcript NM_145290.4 (MANE Select); coding-DNA position 842, G replaced by A.
Protein change: p.Gly281Glu; replaces glycine 281 with glutamic acid.
Molecular consequence: missense variant.
Genome position (GRCh38, 1-based): chr4:22,442,728, C>T on the plus strand (G>A on the coding strand, the complement: ADGRA3 is on the minus strand). VCF-style: chr4-22442728-C-T. GRCh37 (hg19) VCF-style: chr4-22444351-C-T.
Other names: short protein forms G281E.
Identifiers: ClinVar variation 2976723 (VCV002976723.3), dbSNP rs1186805080, ClinGen allele CA356477226.